The following is an entry in ClinVar:

NM_007294.4(BRCA1):c.207C>A (p.Thr69=)

Gene: BRCA1 (BRCA1 DNA repair associated; minus strand). Cytogenetic location: 17q21.31.
Variant type: single nucleotide variant.
Coding change: c.207C>A on transcript NM_007294.4 (MANE Select); coding-DNA position 207, C replaced by A.
Protein change: p.Thr69=; no amino-acid change (threonine 69 retained).
Molecular consequence: synonymous variant. On other transcripts: intron variant (95).
Genome position (GRCh38, 1-based): chr17:43,106,461, G>T on the plus strand (C>A on the coding strand, the complement: BRCA1 is on the minus strand). VCF-style: chr17-43106461-G-T. GRCh37 (hg19) VCF-style: chr17-41258478-G-T.
Other names: c.207C>A, p.Thr69= (NM_001407581.1, NM_001407582.1, NM_001407583.1 and 168 more transcripts); c.66C>A, p.Thr22= (NM_001407692.1, NM_001407694.1, NM_001407695.1 and 99 more transcripts); c.-218-11601C>A (NM_001407967.1, NM_001407966.1); c.-169-1505C>A (NM_001407959.1, NM_001407962.1, NM_001408512.1 and 4 more transcripts); c.2+17C>A (NM_001407885.1, NM_001407886.1, NM_001407898.1 and 58 more transcripts); c.81-1505C>A (NM_001408451.1); c.135-1505C>A (NM_001408475.1, NM_001407875.1, NM_001407659.1 and 21 more transcripts).
Identifiers: ClinVar variation 868784 (VCV000868784.3), dbSNP rs1567812175, ClinGen allele CA500128082.
Genomic context (GRCh38, chr17:43,106,461, plus strand): 5'-CTACTTTTTCCTACTGTGGTTGCTTCCAACCTAGCATCATTACCAAATTATATACCTTTT[G>T]GTTATATCATTCTTACATAAAGGACACTGTGAAGGCCCTTTCTTCTGGTTGAGAAGTTTC-3'
Protein context (NP_009225.1, residues 59-79): SQCPLCKNDI[Thr69=]KRSLQESTRF

Conditions:
Breast-ovarian cancer, familial, susceptibility to, 1 (BROVCA1). Also called: BRCA1 Hereditary Breast and Ovarian Cancer; OVARIAN CANCER, SUSCEPTIBILITY TO. Identifiers: Orphanet 145, MedGen C2676676, MONDO:0011450, OMIM 604370. Disease mechanism: loss of function.

Submission:

Brotman Baty Institute, University of Washington
No classification provided (evidence only). Condition: Breast-ovarian cancer, familial 1. Review status: no classification provided. Collection method: in vitro. Allele origin: not applicable. Functional consequence: functionally_normal.
ClinVar note: "not provided" was previously submitted as the classification for the variant. However, the classification appeared to be based only on an observation of functional data so it was converted to no classification on 2025-07-30.